The following is an entry in ClinVar:

ClinVar aggregate classification (germline): Uncertain significance. Review status: criteria provided, multiple submitters, no conflicts (2 of 4 stars). 2 submissions from 2 submitters: Uncertain significance (2). Last evaluated 2025-11-18.

Conditions:
Cardiomyopathy (CMYO). Also called: Cardiomyopathies. Identifiers: Orphanet 167848, MedGen C0878544, MONDO:0004994, HP:0001638. Inheritance: Various modes of inheritance.

Allele frequency attached by ClinVar (database versions not stated): TOPMed 0.00001; gnomAD 0.00003; 1000 Genomes Project 30x 0.00016; 1000 Genomes Project 0.00020.

Submissions (2):

Petrovsky National Research Centre of Surgery, The Federal Agency for Scientific Organizations
Classification: Uncertain significance for Cardiomyopathy. Last evaluated: 2025-11-18. Review status: criteria provided, single submitter. Criteria: ACMG Guidelines, 2015. Collection method: clinical testing. Allele origin: germline. Affected: yes.
Comment: The variant is extremely rare in population databases (gnomAD v4.1.0 MAF 0.000006814). In accordance with ACMG (2015) criteria, this variant is classified as Variant of Uncertain Significance (Class III).

Labcorp Genetics (formerly Invitae), Labcorp
Classification: Uncertain significance. Last evaluated: 2021-10-24. Review status: criteria provided, single submitter. Criteria: Invitae Variant Classification Sherloc (09022015). Collection method: clinical testing. Allele origin: germline.
Comment: This variant has not been reported in the literature in individuals affected with CASZ1-related conditions. This variant is not present in population databases (ExAC no frequency). This sequence change replaces asparagine with lysine at codon 1210 of the CASZ1 protein (p.Asn1210Lys). The asparagine residue is weakly conserved and there is a moderate physicochemical difference between asparagine and lysine. Algorithms developed to predict the effect of missense changes on protein structure and function are either unavailable or do not agree on the potential impact of this missense change (SIFT: "Deleterious"; PolyPhen-2: "Possibly Damaging"; Align-GVGD: "Class C0"). In summary, the available evidence is currently insufficient to determine the role of this variant in disease. Therefore, it has been classified as a Variant of Uncertain Significance.

NM_001079843.3(CASZ1):c.3630C>A (p.Asn1210Lys)

Gene: CASZ1 (castor zinc finger 1; minus strand). Cytogenetic location: 1p36.22.
Variant type: single nucleotide variant.
Coding change: c.3630C>A on transcript NM_001079843.3 (MANE Select); coding-DNA position 3630, C replaced by A.
Protein change: p.Asn1210Lys; replaces asparagine 1210 with lysine.
Molecular consequence: missense variant.
Genome position (GRCh38, 1-based): chr1:10,646,194, G>T on the plus strand (C>A on the coding strand, the complement: CASZ1 is on the minus strand). VCF-style: chr1-10646194-G-T. GRCh37 (hg19) VCF-style: chr1-10706251-G-T.
Other names: short protein forms N1210K.
Identifiers: ClinVar variation 1436282 (VCV001436282.7), dbSNP rs191620838, ClinGen allele CA17868927.